The following is an entry in ClinVar:

ClinVar aggregate classification (germline): Uncertain significance (1 of 4 stars; one submission).

Conditions:
Joubert syndrome 21 (JBTS21). Identifiers: MedGen C3810212, MONDO:0014288, OMIM 615636.

Allele frequency attached by ClinVar (database versions not stated): TOPMed below 0.00001.
gnomAD v4.1: 1 of 1,614,114 alleles (0.000062%); highest among the groups gnomAD compares: Non-Finnish European, 0.000085%; no homozygotes.

Submission:

Labcorp Genetics (formerly Invitae), Labcorp
Classification: Uncertain significance for Joubert syndrome 21. Last evaluated: 2022-05-04. Review status: criteria provided, single submitter. Criteria: Invitae Variant Classification Sherloc (09022015). Collection method: clinical testing. Allele origin: germline.
Comment: In summary, the available evidence is currently insufficient to determine the role of this variant in disease. Therefore, it has been classified as a Variant of Uncertain Significance. Algorithms developed to predict the effect of missense changes on protein structure and function (SIFT, PolyPhen-2, Align-GVGD) all suggest that this variant is likely to be tolerated. This variant has not been reported in the literature in individuals affected with CSPP1-related conditions. This variant is not present in population databases (gnomAD no frequency). This sequence change replaces proline, which is neutral and non-polar, with threonine, which is neutral and polar, at codon 1090 of the CSPP1 protein (p.Pro1090Thr).

NM_001382391.1(CSPP1):c.3283C>A (p.Pro1095Thr)

Genes: ARFGEF1 (ARF guanine nucleotide exchange factor 1; minus strand), CSPP1 (centrosome and spindle pole associated protein 1; plus strand). Cytogenetic location: 8q13.2.
Variant type: single nucleotide variant.
Coding change: c.3283C>A on transcript NM_001382391.1 (MANE Select); coding-DNA position 3283, C replaced by A.
Protein change: p.Pro1095Thr; replaces proline 1095 with threonine.
Molecular consequence: missense variant. On other transcripts: intron variant (2).
Genome position (GRCh38, 1-based): chr8:67,190,712, C>A. VCF-style: chr8-67190712-C-A. GRCh37 (hg19) VCF-style: chr8-68102947-C-A.
Other names: c.2233C>A, p.Pro745Thr (NM_001291339.2); c.3202C>A, p.Pro1068Thr (NM_001363131.2); c.3088C>A, p.Pro1030Thr (NM_001363132.2); c.3007C>A, p.Pro1003Thr (NM_001363133.2); c.3349C>A, p.Pro1117Thr (NM_001364869.1); c.3169C>A, p.Pro1057Thr (NM_001364870.1); c.3115C>A, p.Pro1039Thr (NM_001438330.1); c.3268C>A, p.Pro1090Thr (NM_001438331.1, NM_024790.7); and 3 more; short protein forms P1057T, P1090T, P745T, P1068T, P1117T, P1003T, P1030T, P1095T.
Identifiers: ClinVar variation 2062062 (VCV002062062.4), dbSNP rs1835980887, ClinGen allele CA371202219.